The following is an entry in ClinVar:

NM_000540.3(RYR1):c.10009C>T (p.Arg3337Trp)

Gene: RYR1 (ryanodine receptor 1; plus strand). Cytogenetic location: 19q13.2.
Variant type: single nucleotide variant.
Coding change: c.10009C>T on transcript NM_000540.3 (MANE Select); coding-DNA position 10009, C replaced by T.
Protein change: p.Arg3337Trp; replaces arginine 3337 with tryptophan.
Molecular consequence: missense variant.
Genome position (GRCh38, 1-based): chr19:38,517,682, C>T. VCF-style: chr19-38517682-C-T. GRCh37 (hg19) VCF-style: chr19-39008322-C-T.
Other names: c.10009C>T (NM_000540.2); c.10009C>T, p.Arg3337Trp (NM_001042723.2); short protein forms R3337W.
Identifiers: ClinVar variation 1701932 (VCV001701932.5), dbSNP rs200296387, ClinGen allele CA052057.

ClinVar aggregate classification (germline): Uncertain significance. Review status: criteria provided, multiple submitters, no conflicts (2 of 4 stars). 5 submissions from 5 submitters: Uncertain significance (5). Last evaluated 2025-06-22.

Conditions:
Central core myopathy (CMYO1A). Also called: CONGENITAL MYOPATHY 1A, AUTOSOMAL DOMINANT, WITH SUSCEPTIBILITY TO MALIGNANT HYPERTHERMIA; Central core disease; Myopathy, central fibrillar. Identifiers: Orphanet 597, MedGen C5830701, MONDO:0007294, OMIM 117000.
Malignant hyperthermia, susceptibility to, 1 (MHS1). Also called: Anesthesia related hyperthermia; Malignant hyperpyrexia; Fulminating hyperpyrexia; Pharmacogenic myopathy; RYR1-Related Malignant Hyperthermia Susceptibility; Malignant hyperthermia suceptibility 1. Identifiers: Orphanet 423, MedGen C2930980, MONDO:0007783, OMIM 145600.
RYR1-related disorder. Also called: RYR1-related condition; RYR1-related disorders. Identifiers: MedGen CN239331.
Inborn genetic diseases. Identifiers: MedGen C0950123, MeSH D030342.

Allele frequency attached by ClinVar (database versions not stated): ESP Exome Variant Server 0.00008.
gnomAD v4.1: 21 of 1,614,058 alleles (0.0013%); highest among the groups gnomAD compares: South Asian, 0.014%; no homozygotes.

Submissions (5):

Ambry Genetics
Classification: Uncertain significance for Inborn genetic diseases. Last evaluated: 2025-06-22. Review status: criteria provided, single submitter. Criteria: Ambry Variant Classification Scheme 2023. Collection method: clinical testing. Allele origin: germline.

Color Diagnostics, LLC DBA Color Health
Classification: Uncertain significance for Malignant hyperthermia, susceptibility to, 1. Last evaluated: 2024-03-06. Review status: criteria provided, single submitter. Criteria: ACMG Guidelines, 2015. Collection method: clinical testing. Allele origin: germline.
Comment: This missense variant replaces arginine with tryptophan at codon 3337 of the RYR1 protein. Computational prediction suggests that this variant may have deleterious impact on protein structure and function. To our knowledge, functional studies have not been reported for this variant. This variant has not been reported in individuals affected with RYR1-related disorders in the literature. This variant has been identified in 3/248474 chromosomes in the general population by the Genome Aggregation Database (gnomAD). The available evidence is insufficient to determine the role of this variant in disease conclusively. Therefore, this variant is classified as a Variant of Uncertain Significance.

All of Us Research Program, National Institutes of Health
Classification: Uncertain significance for Malignant hyperthermia, susceptibility to, 1. Last evaluated: 2023-08-25. Review status: criteria provided, single submitter. Criteria: ACMG Guidelines, 2015. Collection method: clinical testing. Allele origin: germline. Inheritance: Autosomal dominant inheritance. Observed: 3 variant alleles, 3 heterozygotes.
Comment: This study involves interpretation of variants in research participants for the purpose of population health screening. Participant phenotype was not available at the time of variant classification. Additional details can be found in publication PMID: 35346344, PMCID: PMC8962531

Labcorp Genetics (formerly Invitae), Labcorp
Classification: Uncertain significance for RYR1-related disorder. Last evaluated: 2022-12-29. Review status: criteria provided, single submitter. Criteria: Invitae Variant Classification Sherloc (09022015). Collection method: clinical testing. Allele origin: germline.
Comment: In summary, the available evidence is currently insufficient to determine the role of this variant in disease. Therefore, it has been classified as a Variant of Uncertain Significance. Advanced modeling of protein sequence and biophysical properties (such as structural, functional, and spatial information, amino acid conservation, physicochemical variation, residue mobility, and thermodynamic stability) performed at Invitae indicates that this missense variant is expected to disrupt RYR1 protein function. ClinVar contains an entry for this variant (Variation ID: 1701932). This variant has not been reported in the literature in individuals affected with RYR1-related conditions. This variant is present in population databases (rs200296387, gnomAD 0.007%). This sequence change replaces arginine, which is basic and polar, with tryptophan, which is neutral and slightly polar, at codon 3337 of the RYR1 protein (p.Arg3337Trp).

Arcensus
Classification: Uncertain significance for Central core myopathy. Last evaluated: 2013-02-01. Review status: criteria provided, single submitter. Criteria: ACMG Guidelines, 2015. Collection method: clinical testing. Allele origin: germline. Affected: yes.